The following is an entry in ClinVar:

ClinVar aggregate classification (germline): Uncertain significance. Review status: criteria provided, multiple submitters, no conflicts (2 of 4 stars). 2 submissions from 2 submitters: Uncertain significance (2). Last evaluated 2025-10-22.

Conditions:
CLRN2-related disorder. Also called: CLRN2-related condition.

gnomAD v4.1: 145 of 1,613,802 alleles (0.009%); highest among the groups gnomAD compares: Non-Finnish European, 0.011%; no homozygotes.

Submissions (2):

PreventionGenetics, part of Exact Sciences
Classification: Uncertain significance for CLRN2-related condition. Last evaluated: 2025-10-22. Review status: criteria provided, single submitter. Criteria: ACMG Guidelines, 2015. Collection method: clinical testing. Allele origin: germline.
Comment: The CLRN2 c.371T>A variant is predicted to result in the amino acid substitution p.Ile124Asn. To our knowledge, this variant has not been reported in the literature. This variant is reported in 0.0055% of alleles in individuals of European (Non-Finnish) descent in gnomAD. At this time, the clinical significance of this variant is uncertain due to the absence of conclusive functional and genetic evidence.

Ambry Genetics
Classification: Uncertain significance. Last evaluated: 2024-10-03. Review status: criteria provided, single submitter. Criteria: Ambry Variant Classification Scheme 2023. Collection method: clinical testing. Allele origin: germline.

NM_001079827.2(CLRN2):c.371T>A (p.Ile124Asn)

Gene: CLRN2 (clarin 2; plus strand). Cytogenetic location: 4p15.32.
Variant type: single nucleotide variant.
Coding change: c.371T>A on transcript NM_001079827.2 (MANE Select); coding-DNA position 371, T replaced by A.
Protein change: p.Ile124Asn; replaces isoleucine 124 with asparagine.
Molecular consequence: missense variant.
Genome position (GRCh38, 1-based): chr4:17,522,981, T>A. VCF-style: chr4-17522981-T-A. GRCh37 (hg19) VCF-style: chr4-17524604-T-A.
Other names: short protein forms I124N.
Identifiers: ClinVar variation 3493906 (VCV003493906.2).
Genomic context (GRCh38, chr4:17,522,981, plus strand): 5'-TCCTCTTCCTGGCCTTGGCCCTGGCTCTGGTCAGCATGGGCTTTGCCATTCTTAACATGA[T>A]CCAGGTCCCGTACCGGGCAGTCAGCGGTCCTGGGGGCATCTGCCTATGGAATGTCCTGGC-3'
Protein context (NP_001073296.1, residues 114-134): VSMGFAILNM[Ile124Asn]QVPYRAVSGP